The following is an entry in ClinVar:

ClinVar aggregate classification (germline): Uncertain significance (1 of 4 stars; one submission).

Allele frequency attached by ClinVar (database versions not stated): gnomAD exomes below 0.00001.
gnomAD v4.1: 1 of 1,614,156 alleles (0.000062%); highest among the groups gnomAD compares: Non-Finnish European, 0.000085%; no homozygotes.

Submission:

Labcorp Genetics (formerly Invitae), Labcorp
Classification: Uncertain significance. Last evaluated: 2023-10-20. Review status: criteria provided, single submitter. Criteria: Invitae Variant Classification Sherloc (09022015). Collection method: clinical testing. Allele origin: germline.
Comment: This sequence change replaces glutamic acid, which is acidic and polar, with lysine, which is basic and polar, at codon 221 of the KLHDC8B protein (p.Glu221Lys). This variant is not present in population databases (gnomAD no frequency). This variant has not been reported in the literature in individuals affected with KLHDC8B-related conditions. An algorithm developed to predict the effect of missense changes on protein structure and function (PolyPhen-2) suggests that this variant is likely to be tolerated. In summary, the available evidence is currently insufficient to determine the role of this variant in disease. Therefore, it has been classified as a Variant of Uncertain Significance.

NM_173546.3(KLHDC8B):c.661G>A (p.Glu221Lys)

Gene: KLHDC8B (kelch domain containing 8B; plus strand). Cytogenetic location: 3p21.31.
Variant type: single nucleotide variant.
Coding change: c.661G>A on transcript NM_173546.3 (MANE Select); coding-DNA position 661, G replaced by A.
Protein change: p.Glu221Lys; replaces glutamic acid 221 with lysine.
Molecular consequence: missense variant.
Genome position (GRCh38, 1-based): chr3:49,174,861, G>A. VCF-style: chr3-49174861-G-A. GRCh37 (hg19) VCF-style: chr3-49212294-G-A.
Other names: short protein forms E221K.
Identifiers: ClinVar variation 2981376 (VCV002981376.3), dbSNP rs2470622949, ClinGen allele CA352777090.